The following is an entry in ClinVar:

ClinVar aggregate classification (germline): Uncertain significance (1 of 4 stars; one submission).

gnomAD v4.1: 1 of 1,613,956 alleles (0.000062%); highest among the groups gnomAD compares: Admixed American, 0.0017%; no homozygotes.

Submission:

Labcorp Genetics (formerly Invitae), Labcorp
Classification: Uncertain significance. Last evaluated: 2024-06-29. Review status: criteria provided, single submitter. Criteria: Invitae Variant Classification Sherloc (09022015). Collection method: clinical testing. Allele origin: germline.
Comment: This sequence change replaces serine, which is neutral and polar, with threonine, which is neutral and polar, at codon 30 of the CASQ1 protein (p.Ser30Thr). This variant is not present in population databases (gnomAD no frequency). This variant has not been reported in the literature in individuals affected with CASQ1-related conditions. Algorithms developed to predict the effect of missense changes on protein structure and function output the following: SIFT: "Not Available"; PolyPhen-2: "Benign"; Align-GVGD: "Not Available". The threonine amino acid residue is found in multiple mammalian species, which suggests that this missense change does not adversely affect protein function. In summary, the available evidence is currently insufficient to determine the role of this variant in disease. Therefore, it has been classified as a Variant of Uncertain Significance.

NM_001231.5(CASQ1):c.88T>A (p.Ser30Thr)

Gene: CASQ1 (calsequestrin 1; plus strand). Cytogenetic location: 1q23.2.
Variant type: single nucleotide variant.
Coding change: c.88T>A on transcript NM_001231.5 (MANE Select); coding-DNA position 88, T replaced by A.
Protein change: p.Ser30Thr; replaces serine 30 with threonine.
Molecular consequence: missense variant.
Genome position (GRCh38, 1-based): chr1:160,190,839, T>A. VCF-style: chr1-160190839-T-A. GRCh37 (hg19) VCF-style: chr1-160160629-T-A.
Other names: short protein forms S30T.
Identifiers: ClinVar variation 3676127 (VCV003676127.2).